The following is an entry in ClinVar:

ClinVar aggregate classification (germline): Uncertain significance. Review status: criteria provided, multiple submitters, no conflicts (2 of 4 stars). 5 submissions from 5 submitters: Uncertain significance (5). Last evaluated 2025-12-30.

Conditions:
TTN-related disorder. Also called: TTN-related condition; TTN-related disease; TTN-related disorders.
Cardiovascular phenotype. Identifiers: MedGen CN230736.
Early-onset myopathy with fatal cardiomyopathy (CMYO5). Also called: Salih Myopathy; CONGENITAL MYOPATHY 5 WITH CARDIOMYOPATHY. Identifiers: Orphanet 289377, MedGen C2673677, MONDO:0012714, OMIM 611705. Disease mechanism: loss of function.
Dilated cardiomyopathy 1G (CMD1G). Identifiers: Orphanet 154, MedGen C1858763, MONDO:0011400, OMIM 604145.
Autosomal recessive limb-girdle muscular dystrophy type 2J (LGMDR10). Also called: Limb-girdle muscular dystrophy, type 2J; MUSCULAR DYSTROPHY, LIMB-GIRDLE, AUTOSOMAL RECESSIVE 10. Identifiers: Orphanet 140922, MedGen C1837342, MONDO:0012127, OMIM 608807.
Tibial muscular dystrophy (TMD). Also called: Tibial muscular dystrophy, tardive; Udd Distal Myopathy – Tibial Muscular Dystrophy; UDD MYOPATHY. Identifiers: Orphanet 609, MedGen C1838244, MONDO:0010870, OMIM 600334.
Myopathy, myofibrillar, 9, with early respiratory failure (MFM9). Also called: Myopathy, distal, with early respiratory failure, autosomal dominant; MYOPATHY, PROXIMAL, WITH EARLY RESPIRATORY MUSCLE INVOLVEMENT; Hereditary myopathy with early respiratory failure; EDSTROM MYOPATHY. Identifiers: Orphanet 178464, Orphanet 34521, MedGen C1863599, MONDO:0011362, OMIM 603689.
Hypertrophic cardiomyopathy 9. Also called: Familial hypertrophic cardiomyopathy 9. Identifiers: MedGen C1861065, MONDO:0013412, OMIM 613765.

Allele frequency attached by ClinVar (database versions not stated): gnomAD 0.00003; TOPMed 0.00008.
gnomAD v4.1: 13 of 1,523,724 alleles (0.00085%); highest among the groups gnomAD compares: African/African-American, 0.015%; no homozygotes.

Submissions (5):

PreventionGenetics, part of Exact Sciences
Classification: Uncertain significance for TTN-related condition. Last evaluated: 2025-12-30. Review status: criteria provided, single submitter. Criteria: ACMG Guidelines, 2015. Collection method: clinical testing. Allele origin: germline.
Comment: The TTN c.63185T>G variant is predicted to result in the amino acid substitution p.Ile21062Arg. To our knowledge, this variant has not been reported in the literature. This variant is reported in 0.017% of alleles in individuals of African descent in gnomAD. At this time, the clinical significance of this variant is uncertain due to the absence of conclusive functional and genetic evidence.

Revvity Omics, Revvity
Classification: Uncertain significance. Last evaluated: 2021-12-13. Review status: criteria provided, single submitter. Criteria: ACMG Guidelines, 2015. Collection method: clinical testing. Allele origin: germline.

Fulgent Genetics
Classification: Uncertain significance for Tibial muscular dystrophy; Myopathy, myofibrillar, 9, with early respiratory failure; Dilated cardiomyopathy 1G; Autosomal recessive limb-girdle muscular dystrophy type 2J; Early-onset myopathy with fatal cardiomyopathy; Hypertrophic cardiomyopathy 9. Last evaluated: 2021-10-14. Review status: criteria provided, single submitter. Criteria: ACMG Guidelines, 2015. Collection method: clinical testing. Allele origin: unknown.

Ambry Genetics
Classification: Uncertain significance for Cardiovascular phenotype. Last evaluated: 2019-09-04. Review status: criteria provided, single submitter. Criteria: Ambry Variant Classification Scheme 2023. Collection method: clinical testing. Allele origin: germline.
Comment: The p.I11997R variant (also known as c.35990T>G), located in coding exon 131 of the TTN gene, results from a T to G substitution at nucleotide position 35990. The isoleucine at codon 11997 is replaced by arginine, an amino acid with similar properties. This amino acid position is highly conserved in available vertebrate species. In addition, the in silico prediction for this alteration is inconclusive. Since supporting evidence is limited at this time, the clinical significance of this alteration remains unclear.

GeneDx
Classification: Uncertain significance. Last evaluated: 2014-08-27. Review status: criteria provided, single submitter. Criteria: GeneDx Variant Classification (06012015). Collection method: clinical testing. Allele origin: germline. Affected: yes.
Comment: Missense variants in the TTN gene are considered 'unclassified' if they are not previously reported in the literature and do not have >1% frequency in the population to be considered a polymorphism. Research indicates that truncating mutations in the TTN gene are expected to account for approximately 25% of familial and 18% of sporadic idiopathic DCM; however, truncating variants in the TTN gene have been reported in approximately 3% of reported control alleles. There has been little investigation into non-truncating variants. (Herman D et al. Truncations of titin causing dilated cardiomyopathy. N Eng J Med 366:619-628, 2012) The variant is found in CARDIOMYOPATHY panel(s).

NM_001267550.2(TTN):c.63185T>G (p.Ile21062Arg)

Genes: TTN-AS1 (TTN antisense RNA 1; plus strand), TTN (titin; minus strand). Cytogenetic location: 2q31.2.
Variant type: single nucleotide variant.
Coding change: c.63185T>G on transcript NM_001267550.2 (MANE Select); coding-DNA position 63185, T replaced by G.
Protein change: p.Ile21062Arg; replaces isoleucine 21062 with arginine.
Molecular consequence: missense variant.
Genome position (GRCh38, 1-based): chr2:178,588,540, A>C on the plus strand (T>G on the coding strand, the complement: TTN is on the minus strand). VCF-style: chr2-178588540-A-C. GRCh37 (hg19) VCF-style: chr2-179453267-A-C.
Other names: p.I19421R:ATA>AGA; c.58262T>G, p.Ile19421Arg (NM_001256850.1); c.35990T>G, p.Ile11997Arg (NM_003319.4); c.55481T>G, p.Ile18494Arg (NM_133378.4); c.36365T>G, p.Ile12122Arg (NM_133432.3); c.36566T>G, p.Ile12189Arg (NM_133437.4); short protein forms I19421R, I21062R, I11997R, I12122R, I18494R, I12189R.
Identifiers: ClinVar variation 202771 (VCV000202771.9), dbSNP rs575313522, ClinGen allele CA310233.
Genomic context (GRCh38, chr2:178,588,540, plus strand): 5'-ACTTCTGTGCTTGAGATTAAGAGTTGCTGTAATATCAGAAAAAACAAGGACATCCTACCT[A>C]TGGGGTCTTTTGCCACCACCGGTCTTGAAGGCAAGCTTGGTTCTCCAATTCCAATTTCAT-3'
Protein context (NP_001254479.2, residues 21052-21072): PSRPVVAKDP[Ile21062Arg]EPPGPPTNFR